The following is an entry in ClinVar:

ClinVar aggregate classification (germline): Uncertain significance (1 of 4 stars; one submission).

Allele frequency attached by ClinVar (database versions not stated): gnomAD exomes below 0.00001.
gnomAD v4.1: 2 of 1,613,966 alleles (0.00012%); highest among the groups gnomAD compares: South Asian, 0.0011%; no homozygotes.

Submission:

Labcorp Genetics (formerly Invitae), Labcorp
Classification: Uncertain significance. Last evaluated: 2022-09-14. Review status: criteria provided, single submitter. Criteria: Invitae Variant Classification Sherloc (09022015). Collection method: clinical testing. Allele origin: germline.
Comment: In summary, the available evidence is currently insufficient to determine the role of this variant in disease. Therefore, it has been classified as a Variant of Uncertain Significance. Advanced modeling of protein sequence and biophysical properties (such as structural, functional, and spatial information, amino acid conservation, physicochemical variation, residue mobility, and thermodynamic stability) performed at Invitae indicates that this missense variant is not expected to disrupt SCN3A protein function. This variant has not been reported in the literature in individuals affected with SCN3A-related conditions. This variant is not present in population databases (gnomAD no frequency). This sequence change replaces valine, which is neutral and non-polar, with alanine, which is neutral and non-polar, at codon 1288 of the SCN3A protein (p.Val1288Ala).

NM_006922.4(SCN3A):c.3863T>C (p.Val1288Ala)

Gene: SCN3A (sodium voltage-gated channel alpha subunit 3; minus strand). Cytogenetic location: 2q24.3.
Variant type: single nucleotide variant.
Coding change: c.3863T>C on transcript NM_006922.4 (MANE Select); coding-DNA position 3863, T replaced by C.
Protein change: p.Val1288Ala; replaces valine 1288 with alanine.
Molecular consequence: missense variant.
Genome position (GRCh38, 1-based): chr2:165,100,405, A>G on the plus strand (T>C on the coding strand, the complement: SCN3A is on the minus strand). VCF-style: chr2-165100405-A-G. GRCh37 (hg19) VCF-style: chr2-165956915-A-G.
Other names: c.3716T>C, p.Val1239Ala (NM_001081676.2, NM_001081677.2); short protein forms V1239A, V1288A.
Identifiers: ClinVar variation 1719420 (VCV001719420.5), dbSNP rs2468088047, ClinGen allele CA349028445.
Genomic context (GRCh38, chr2:165,100,405, plus strand): 5'-GCTCTTAATGTCCGTAATGATTTGATGGCACCGAGTTCTGAGTAGCCAAGAGCATTGGCT[A>G]CCAGGCTAACCAAAGAAACCTACAAAAGGAAAAAAAAATTAATTAGTTCACCAAGAAATA-3'
Protein context (NP_008853.3, residues 1278-1298): LIVDVSLVSL[Val1288Ala]ANALGYSELG